The following is an entry in ClinVar:

ClinVar aggregate classification (germline): Uncertain significance (1 of 4 stars; one submission).

Allele frequency attached by ClinVar (database versions not stated): ESP Exome Variant Server 0.00017; 1000 Genomes Project 30x 0.00031; 1000 Genomes Project 0.00040.
gnomAD v4.1: 56 of 1,613,264 alleles (0.0035%); highest among the groups gnomAD compares: Admixed American, 0.023%; no homozygotes.

Submission:

Labcorp Genetics (formerly Invitae), Labcorp
Classification: Uncertain significance. Last evaluated: 2025-10-12. Review status: criteria provided, single submitter. Criteria: Invitae Variant Classification Sherloc (09022015). Collection method: clinical testing. Allele origin: germline.
Comment: This sequence change creates a premature translational stop signal (p.Arg67*) in the ZIC4 gene. It is expected to result in an absent or disrupted protein product. However, the current clinical and genetic evidence is not sufficient to establish whether loss-of-function variants in ZIC4 cause disease. This variant is present in population databases (rs190583246, gnomAD 0.03%). This variant has not been reported in the literature in individuals affected with ZIC4-related conditions. ClinVar contains an entry for this variant (Variation ID: 2202357). In summary, the available evidence is currently insufficient to determine the role of this variant in disease. Therefore, it has been classified as a Variant of Uncertain Significance.

NM_032153.6(ZIC4):c.49C>T (p.Arg17Ter)

Gene: ZIC4 (Zic family zinc finger 4; minus strand). Cytogenetic location: 3q24.
Variant type: single nucleotide variant.
Coding change: c.49C>T on transcript NM_032153.6 (MANE Select); coding-DNA position 49, C replaced by T.
Protein change: p.Arg17Ter; replaces arginine 17 with a stop codon.
Molecular consequence: nonsense.
Genome position (GRCh38, 1-based): chr3:147,402,749, G>A on the plus strand (C>T on the coding strand, the complement: ZIC4 is on the minus strand). VCF-style: chr3-147402749-G-A. GRCh37 (hg19) VCF-style: chr3-147120536-G-A.
Other names: c.199C>T, p.Arg67Ter (NM_001168378.1); c.163C>T, p.Arg55Ter (NM_001168379.2); c.49C>T, p.Arg17Ter (NM_001243256.2); short protein forms R55*, R67*, R17*.
Identifiers: ClinVar variation 2202357 (VCV002202357.4), dbSNP rs190583246, ClinGen allele CA2656920.